The following is an entry in ClinVar:

NM_001440.4(EXTL3):c.1768C>T (p.Leu590Phe)

Gene: EXTL3 (exostosin like glycosyltransferase 3; plus strand). Cytogenetic location: 8p21.1.
Variant type: single nucleotide variant.
Coding change: c.1768C>T on transcript NM_001440.4 (MANE Select); coding-DNA position 1768, C replaced by T.
Protein change: p.Leu590Phe; replaces leucine 590 with phenylalanine.
Molecular consequence: missense variant.
Genome position (GRCh38, 1-based): chr8:28,717,827, C>T. VCF-style: chr8-28717827-C-T. GRCh37 (hg19) VCF-style: chr8-28575344-C-T.
Other names: short protein forms L590F.
Identifiers: ClinVar variation 2079496 (VCV002079496.3), dbSNP rs2486631392, ClinGen allele CA370860765.

ClinVar aggregate classification (germline): Uncertain significance (1 of 4 stars; one submission).

Submission:

Labcorp Genetics (formerly Invitae), Labcorp
Classification: Uncertain significance. Last evaluated: 2025-06-16. Review status: criteria provided, single submitter. Criteria: Invitae Variant Classification Sherloc (09022015). Collection method: clinical testing. Allele origin: germline.
Comment: This sequence change replaces leucine, which is neutral and non-polar, with phenylalanine, which is neutral and non-polar, at codon 590 of the EXTL3 protein (p.Leu590Phe). This variant is not present in population databases (gnomAD no frequency). This variant has not been reported in the literature in individuals affected with EXTL3-related conditions. ClinVar contains an entry for this variant (Variation ID: 2079496). Invitae Evidence Modeling of protein sequence and biophysical properties (such as structural, functional, and spatial information, amino acid conservation, physicochemical variation, residue mobility, and thermodynamic stability) indicates that this missense variant is not expected to disrupt EXTL3 protein function with a negative predictive value of 80%. In summary, the available evidence is currently insufficient to determine the role of this variant in disease. Therefore, it has been classified as a Variant of Uncertain Significance.